The following is an entry in ClinVar:

NM_021956.5(GRIK2):c.2505T>A (p.Val835=)

Gene: GRIK2 (glutamate ionotropic receptor kainate type subunit 2; plus strand). Cytogenetic location: 6q16.3.
Variant type: single nucleotide variant.
Coding change: c.2505T>A on transcript NM_021956.5 (MANE Select); coding-DNA position 2505, T replaced by A.
Protein change: p.Val835=; no amino-acid change (valine 835 retained).
Molecular consequence: synonymous variant.
Genome position (GRCh38, 1-based): chr6:102,055,523, T>A. VCF-style: chr6-102055523-T-A. GRCh37 (hg19) VCF-style: chr6-102503398-T-A.
Other names: c.2505T>A, p.Val835= (NM_001166247.1, NM_175768.3).
Identifiers: ClinVar variation 3054278 (VCV003054278.2), dbSNP rs1771418940, ClinGen allele CA451505015.

ClinVar aggregate classification (germline): Likely benign (0 of 4 stars; one submission).

Conditions:
GRIK2-related disorder. Also called: GRIK2-related condition.

Allele frequency attached by ClinVar (database versions not stated): gnomAD exomes below 0.00001.
gnomAD v4.1: 7 of 1,613,184 alleles (0.00043%); highest among the groups gnomAD compares: Non-Finnish European, 0.00051%; no homozygotes.

Submission:

PreventionGenetics, part of Exact Sciences
Classification: Likely benign for GRIK2-related condition. Last evaluated: 2020-04-29. Review status: no assertion criteria provided. Collection method: clinical testing. Allele origin: germline.
Comment: This variant is classified as likely benign based on ACMG/AMP sequence variant interpretation guidelines (Richards et al. 2015 PMID: 25741868, with internal and published modifications).